The following is an entry in ClinVar:

ClinVar aggregate classification (germline): Uncertain significance (1 of 4 stars; one submission).

Allele frequency attached by ClinVar (database versions not stated): gnomAD exomes below 0.00001.
gnomAD v4.1: 1 of 1,613,542 alleles (0.000062%); highest among the groups gnomAD compares: Non-Finnish European, 0.000085%; no homozygotes.

Submission:

Labcorp Genetics (formerly Invitae), Labcorp
Classification: Uncertain significance. Last evaluated: 2023-10-13. Review status: criteria provided, single submitter. Criteria: Invitae Variant Classification Sherloc (09022015). Collection method: clinical testing. Allele origin: germline.
Comment: This sequence change replaces valine, which is neutral and non-polar, with isoleucine, which is neutral and non-polar, at codon 5238 of the HMCN1 protein (p.Val5238Ile). This variant is not present in population databases (gnomAD no frequency). This variant has not been reported in the literature in individuals affected with HMCN1-related conditions. An algorithm developed to predict the effect of missense changes on protein structure and function (PolyPhen-2) suggests that this variant is likely to be disruptive. In summary, the available evidence is currently insufficient to determine the role of this variant in disease. Therefore, it has been classified as a Variant of Uncertain Significance.

NM_031935.3(HMCN1):c.15712G>A (p.Val5238Ile)

Gene: HMCN1 (hemicentin 1; plus strand). Cytogenetic location: 1q31.1.
Variant type: single nucleotide variant.
Coding change: c.15712G>A on transcript NM_031935.3 (MANE Select); coding-DNA position 15712, G replaced by A.
Protein change: p.Val5238Ile; replaces valine 5238 with isoleucine.
Molecular consequence: missense variant.
Genome position (GRCh38, 1-based): chr1:186,172,029, G>A. VCF-style: chr1-186172029-G-A. GRCh37 (hg19) VCF-style: chr1-186141161-G-A.
Other names: short protein forms V5238I.
Identifiers: ClinVar variation 2768021 (VCV002768021.3), dbSNP rs2528236171, ClinGen allele CA343933589.